The following is an entry in ClinVar:

NM_000310.4(PPT1):c.124+280GCA[3]

Gene: PPT1 (palmitoyl-protein thioesterase 1; minus strand). Cytogenetic location: 1p34.2.
Variant type: Microsatellite.
Coding change: c.124+280GCA[3] on transcript NM_000310.4 (MANE Select); three copies in a row of the 3-base unit GCA starting at c.124+280; the reference has two copies in a row; one copy, 3 bases duplicated.
Molecular consequence: intron variant.
Genome position (GRCh38, 1-based): chr1:40,096,830-40,096,832, TGC duplicated on the plus strand (GCA on the coding strand, the reverse complement: PPT1 is on the minus strand); duplicating any 3 consecutive bases within chr1:40,096,830-40,096,835 gives the same sequence; the position shown is the placement nearest the transcript's 3' end. VCF-style (leftmost placement, unchanged base first): chr1-40096829-A-ATGC. GRCh37 (hg19) VCF-style: chr1-40562501-A-ATGC.
Other names: c.124+280GCA[3] (NM_001142604.2, NM_001363695.2).
Identifiers: ClinVar variation 683998 (VCV000683998.1), dbSNP rs5773687, ClinGen allele CA21020702.

ClinVar aggregate classification (germline): Benign (1 of 4 stars; one submission).

Submission:

GeneDx
Classification: Benign. Last evaluated: 2018-06-18. Review status: criteria provided, single submitter. Criteria: GeneDx Variant Classification (06012015). Collection method: clinical testing. Allele origin: germline. Affected: yes.
Comment: This variant is considered likely benign or benign based on one or more of the following criteria: it is a conservative change, it occurs at a poorly conserved position in the protein, it is predicted to be benign by multiple in silico algorithms, and/or has population frequency not consistent with disease.